The following is an entry in ClinVar:

ClinVar aggregate classification (germline): Pathogenic. Review status: reviewed by expert panel (3 of 4 stars). 4 submissions from 4 submitters: Pathogenic (1). 3 of the submissions do not count toward it. Last evaluated 2017-12-15.

Conditions:
Hereditary cancer-predisposing syndrome. Also called: Neoplastic Syndromes, Hereditary; Tumor predisposition; Hereditary Cancer Syndrome; Hereditary neoplastic syndrome. Identifiers: Orphanet 140162, MedGen C0027672, MeSH D009386, MONDO:0015356.
Breast-ovarian cancer, familial, susceptibility to, 1 (BROVCA1). Also called: OVARIAN CANCER, SUSCEPTIBILITY TO; BRCA1 Hereditary Breast and Ovarian Cancer. Identifiers: Orphanet 145, MedGen C2676676, MONDO:0011450, OMIM 604370. Disease mechanism: loss of function.
Familial cancer of breast. Also called: Hereditary breast cancer; BREAST CANCER, FAMILIAL; hereditary breast carcinoma. Identifiers: Orphanet 227535, MedGen C0346153, MONDO:0016419, OMIM 114480. Disease mechanism: loss of function.

Submissions (4):

Evidence-based Network for the Interpretation of Germline Mutant Alleles (ENIGMA)
Classification: Pathogenic for Breast-ovarian cancer, familial, susceptibility to, 1. Last evaluated: 2017-12-15. Review status: reviewed by expert panel. Criteria: ENIGMA BRCA1/2 Classification Criteria (2017-06-29). Collection method: curation. Allele origin: germline. Study: ENIGMA.
Comment: Variant allele predicted to encode a truncated non-functional protein.

Ambry Genetics
Classification: Pathogenic for Hereditary cancer-predisposing syndrome. Last evaluated: 2025-09-25. Review status: criteria provided, single submitter. Criteria: Ambry Variant Classification Scheme 2023. Collection method: clinical testing. Allele origin: germline. Not counted in ClinVar's aggregate classification.
Comment: The p.K581* pathogenic mutation (also known as c.1741A>T), located in coding exon 9 of the BRCA1 gene, results from an A to T substitution at nucleotide position 1741. This changes the amino acid from a lysine to a stop codon within coding exon 9. This variant is considered to be rare based on population cohorts in the Genome Aggregation Database (gnomAD). This alteration is expected to result in loss of function by premature protein truncation or nonsense-mediated mRNA decay. As such, this alteration is interpreted as a disease-causing mutation.

Juno Genomics, Hangzhou Juno Genomics, Inc
Classification: Pathogenic for Breast-ovarian cancer, familial, susceptibility to, 1. Review status: criteria provided, single submitter. Criteria: ACMG Guidelines, 2015. Collection method: clinical testing. Allele origin: germline. Not counted in ClinVar's aggregate classification.
Comment: Absent from controls (or at extremely low frequency if recessive) in Genome Aggregation Database.;Null variant in a gene where loss of function (LOF) is a known mechanism of disease.;Novel missense change at an amino acid residue where a different missense change determined to be pathogenic has been seen before.

ClinVar Staff, National Center for Biotechnology Information (NCBI)
No classification provided. Condition: Familial cancer of breast. Review status: no classification provided. Collection method: literature only. Allele origin: germline. Affected: yes. Not counted in ClinVar's aggregate classification.

Literature cited by the submitters: PubMed 21918854 (cited by ClinVar Staff, National Center for Biotechnology Information (NCBI)).

NM_007294.4(BRCA1):c.1741A>T (p.Lys581Ter)

Gene: BRCA1 (BRCA1 DNA repair associated; minus strand). Cytogenetic location: 17q21.31.
Variant type: single nucleotide variant.
Coding change: c.1741A>T on transcript NM_007294.4 (MANE Select); coding-DNA position 1741, A replaced by T.
Protein change: p.Lys581Ter; replaces lysine 581 with a stop codon.
Molecular consequence: nonsense. On other transcripts: intron variant (137).
Genome position (GRCh38, 1-based): chr17:43,093,790, T>A on the plus strand (A>T on the coding strand, the complement: BRCA1 is on the minus strand). VCF-style: chr17-43093790-T-A. GRCh37 (hg19) VCF-style: chr17-41245807-T-A.
Other names: c.1528A>T, p.Lys510Ter (NM_001407571.1, NM_001407853.1, NM_001407894.1 and 9 more transcripts); c.1741A>T, p.Lys581Ter (NM_001407581.1, NM_001407582.1, NM_001407583.1 and 30 more transcripts); c.1738A>T, p.Lys580Ter (NM_001407587.1, NM_001407590.1, NM_001407591.1 and 22 more transcripts); c.1732A>T, p.Lys578Ter (NM_001407646.1, NM_001407647.1); c.1618A>T, p.Lys540Ter (NM_001407648.1, NM_001407664.1, NM_001407665.1 and 19 more transcripts); c.1615A>T, p.Lys539Ter (NM_001407649.1, NM_001407670.1, NM_001407685.1 and 11 more transcripts); c.1660A>T, p.Lys554Ter (NM_001407662.1, NM_001407659.1, NM_001407660.1 and 1 more transcripts); c.1663A>T, p.Lys555Ter (NM_001407663.1, NM_001407653.1, NM_001407654.1 and 4 more transcripts); and 40 more; short protein forms K581*, K534*, K513*, K285*, K413*, K454*, K470*, K493*.
Identifiers: ClinVar variation 54339 (VCV000054339.7), dbSNP rs397508905, ClinGen allele CA001139.